The following is an entry in ClinVar:

ClinVar aggregate classification (germline): Uncertain significance. Review status: criteria provided, multiple submitters, no conflicts (2 of 4 stars). 2 submissions from 2 submitters: Uncertain significance (2). Last evaluated 2025-08-30.

Conditions:
Inborn genetic diseases. Identifiers: MedGen C0950123, MeSH D030342.

Submissions (2):

Ambry Genetics
Classification: Uncertain significance for Inborn genetic diseases. Last evaluated: 2025-08-30. Review status: criteria provided, single submitter. Criteria: Ambry Variant Classification Scheme 2023. Collection method: clinical testing. Allele origin: germline.

GeneDx
Classification: Uncertain significance. Last evaluated: 2024-05-06. Review status: criteria provided, single submitter. Criteria: GeneDx Variant Classification Process June 2021. Collection method: clinical testing. Allele origin: germline. Affected: yes.
Comment: Not observed at significant frequency in large population cohorts (gnomAD); In silico analysis indicates that this missense variant does not alter protein structure/function; Has not been previously published as pathogenic or benign to our knowledge

NM_170606.3(KMT2C):c.682C>A (p.Leu228Ile)

Gene: KMT2C (lysine methyltransferase 2C; minus strand). Cytogenetic location: 7q36.1.
Variant type: single nucleotide variant.
Coding change: c.682C>A on transcript NM_170606.3 (MANE Select); coding-DNA position 682, C replaced by A.
Protein change: p.Leu228Ile; replaces leucine 228 with isoleucine.
Molecular consequence: missense variant.
Genome position (GRCh38, 1-based): chr7:152,311,855, G>T on the plus strand (C>A on the coding strand, the complement: KMT2C is on the minus strand). VCF-style: chr7-152311855-G-T. GRCh37 (hg19) VCF-style: chr7-152008940-G-T.
Other names: short protein forms L228I.
Identifiers: ClinVar variation 3378141 (VCV003378141.2).